The following is an entry in ClinVar:

NM_000742.4(CHRNA2):c.1366C>G (p.Gln456Glu)

Gene: CHRNA2 (cholinergic receptor nicotinic alpha 2 subunit; minus strand). Cytogenetic location: 8p21.2.
Variant type: single nucleotide variant.
Coding change: c.1366C>G on transcript NM_000742.4 (MANE Select); coding-DNA position 1366, C replaced by G.
Protein change: p.Gln456Glu; replaces glutamine 456 with glutamic acid.
Molecular consequence: missense variant.
Genome position (GRCh38, 1-based): chr8:27,463,077, G>C on the plus strand (C>G on the coding strand, the complement: CHRNA2 is on the minus strand). VCF-style: chr8-27463077-G-C. GRCh37 (hg19) VCF-style: chr8-27320594-G-C.
Other names: c.1321C>G, p.Gln441Glu (NM_001282455.2); c.889C>G, p.Gln297Glu (NM_001347705.2, NM_001347706.2); c.772C>G, p.Gln258Glu (NM_001347707.2, NM_001347708.2); short protein forms Q258E, Q456E, Q297E, Q441E.
Identifiers: ClinVar variation 2112632 (VCV002112632.4), dbSNP rs2490532856, ClinGen allele CA370808095.
Genomic context (GRCh38, chr8:27,463,077, plus strand): 5'-TGTAGTGCACACCTTCCAGTGCCTTCTGCATGTGGGGTGATAGCAGCAGCTCACCCTCCT[G>C]CAGCAGAGCCTCAGCCTTGGGACCTGAGGCCCCAGAGTGCAGGTGGCCGTGGCTGCAGAG-3'
Protein context (NP_000733.2, residues 446-466): ASGPKAEALL[Gln456Glu]EGELLLSPHM

ClinVar aggregate classification (germline): Uncertain significance (1 of 4 stars; one submission).

Conditions:
Familial sleep-related hypermotor epilepsy. Also called: Autosomal Dominant Sleep-Related Hypermotor (Hyperkinetic) Epilepsy. Identifiers: Orphanet 98784, MedGen C3696898, MONDO:0000030.

Submission:

Labcorp Genetics (formerly Invitae), Labcorp
Classification: Uncertain significance. Last evaluated: 2022-03-15. Review status: criteria provided, single submitter. Criteria: Invitae Variant Classification Sherloc (09022015). Collection method: clinical testing. Allele origin: germline.
Comment: This variant has not been reported in the literature in individuals affected with CHRNA2-related conditions. This variant is not present in population databases (gnomAD no frequency). This sequence change replaces glutamine, which is neutral and polar, with glutamic acid, which is acidic and polar, at codon 456 of the CHRNA2 protein (p.Gln456Glu). Advanced modeling of protein sequence and biophysical properties (such as structural, functional, and spatial information, amino acid conservation, physicochemical variation, residue mobility, and thermodynamic stability) performed at Invitae indicates that this missense variant is not expected to disrupt CHRNA2 protein function. In summary, the available evidence is currently insufficient to determine the role of this variant in disease. Therefore, it has been classified as a Variant of Uncertain Significance.